The following is an entry in ClinVar:

NM_001271.4(CHD2):c.4511A>G (p.Asn1504Ser)

Gene: CHD2 (chromodomain helicase DNA binding protein 2; plus strand). Cytogenetic location: 15q26.1.
Variant type: single nucleotide variant.
Coding change: c.4511A>G on transcript NM_001271.4 (MANE Select); coding-DNA position 4511, A replaced by G.
Protein change: p.Asn1504Ser; replaces asparagine 1504 with serine.
Molecular consequence: missense variant.
Genome position (GRCh38, 1-based): chr15:93,009,242, A>G. VCF-style: chr15-93009242-A-G. GRCh37 (hg19) VCF-style: chr15-93552472-A-G.
Other names: short protein forms N1504S.
Identifiers: ClinVar variation 1325844 (VCV001325844.9), dbSNP rs2141881607, ClinGen allele CA393904547.
Genomic context (GRCh38, chr15:93,009,242, plus strand): 5'-AACAGCTCGACAAACCTGACAAGGGGCTCAACGTGCAAGAACAGCTGGAACACACCCGGA[A>G]CTGCCTGCTGAAAATCGGAGACCGGATAGCCGAGTGCCTTAAAGCCTACTCAGATCAGGA-3'
Protein context (NP_001262.3, residues 1494-1514): NVQEQLEHTR[Asn1504Ser]CLLKIGDRIA

ClinVar aggregate classification (germline): Conflicting classifications of pathogenicity. Review status: criteria provided, conflicting classifications (1 of 4 stars). 2 submissions from 2 submitters: Uncertain significance (1); Likely benign (1). Last evaluated 2022-11-15.

Conditions:
Developmental and epileptic encephalopathy 94 (DEE94). Also called: Epileptic encephalopathy, childhood-onset; CHD2-Related Neurodevelopmental Disorders. Identifiers: Orphanet 1942, Orphanet 2382, MedGen C3809278, MONDO:0014150, OMIM 615369.

Allele frequency attached by ClinVar (database versions not stated): gnomAD exomes below 0.00001.
gnomAD v4.1: 1 of 1,614,236 alleles (0.000062%); highest among the groups gnomAD compares: Non-Finnish European, 0.000085%; no homozygotes.

Submissions (2):

Labcorp Genetics (formerly Invitae), Labcorp
Classification: Uncertain significance for Developmental and epileptic encephalopathy 94. Last evaluated: 2022-11-15. Review status: criteria provided, single submitter. Criteria: Invitae Variant Classification Sherloc (09022015). Collection method: clinical testing. Allele origin: germline.
Comment: Advanced modeling of protein sequence and biophysical properties (such as structural, functional, and spatial information, amino acid conservation, physicochemical variation, residue mobility, and thermodynamic stability) performed at Invitae indicates that this missense variant is not expected to disrupt CHD2 protein function. In summary, the available evidence is currently insufficient to determine the role of this variant in disease. Therefore, it has been classified as a Variant of Uncertain Significance. ClinVar contains an entry for this variant (Variation ID: 1325844). This variant has not been reported in the literature in individuals affected with CHD2-related conditions. This variant is not present in population databases (gnomAD no frequency). This sequence change replaces asparagine, which is neutral and polar, with serine, which is neutral and polar, at codon 1504 of the CHD2 protein (p.Asn1504Ser).

Institute of Human Genetics, University of Leipzig Medical Center
Classification: Likely benign for Developmental and epileptic encephalopathy 94. Last evaluated: 2021-10-14. Review status: criteria provided, single submitter. Criteria: ACMG Guidelines, 2015. Collection method: clinical testing. Allele origin: paternal. Affected: yes.
Comment: The nucleotide position is weakly conserved and more than 2/3 of the in-silico prediction tools predict no damaging effect. Criteria applied: BS2, BP4